The following is an entry in ClinVar:

NM_001384732.1(CPLANE1):c.9031G>A (p.Glu3011Lys)

Gene: CPLANE1 (ciliogenesis and planar polarity effector complex subunit 1; minus strand). Cytogenetic location: 5p13.2.
Variant type: single nucleotide variant.
Coding change: c.9031G>A on transcript NM_001384732.1 (MANE Select); coding-DNA position 9031, G replaced by A.
Protein change: p.Glu3011Lys; replaces glutamic acid 3011 with lysine.
Molecular consequence: missense variant.
Genome position (GRCh38, 1-based): chr5:37,121,771, C>T on the plus strand (G>A on the coding strand, the complement: CPLANE1 is on the minus strand). VCF-style: chr5-37121771-C-T. GRCh37 (hg19) VCF-style: chr5-37121873-C-T.
Other names: c.8869G>A, p.Glu2957Lys (NM_023073.4); short protein forms E2957K, E3011K.
Identifiers: ClinVar variation 906758 (VCV000906758.13), dbSNP rs200358545, ClinGen allele CA3237584.

ClinVar aggregate classification (germline): Uncertain significance. Review status: criteria provided, multiple submitters, no conflicts (2 of 4 stars). 5 submissions from 5 submitters: Uncertain significance (5). Last evaluated 2024-06-11.

Conditions:
Joubert syndrome 17 (JBTS17). Identifiers: Orphanet 475, MedGen C3553264, MONDO:0013824, OMIM 614615.
Orofaciodigital syndrome type 6 (OFD6). Also called: OROFACIODIGITAL SYNDROME VI; OFDS VI; POLYDACTYLY, CLEFT LIP/PALATE OR LINGUAL LUMP, AND PSYCHOMOTOR RETARDATION; VARADI SYNDROME; VARADI-PAPP SYNDROME; Oral-facial-digital syndrome type 6. Identifiers: Orphanet 2754, MedGen C2745997, MONDO:0010176, OMIM 277170.
CPLANE1-related disorder. Also called: CPLANE1-related condition.

Allele frequency attached by ClinVar (database versions not stated): gnomAD exomes 0.00006; TOPMed 0.00006; gnomAD 0.00008.
gnomAD v4.1: 95 of 1,613,266 alleles (0.0059%); highest among the groups gnomAD compares: Non-Finnish European, 0.0072%; no homozygotes.

Submissions (5):

Fulgent Genetics
Classification: Uncertain significance for Orofaciodigital syndrome type 6; Joubert syndrome 17. Last evaluated: 2024-06-11. Review status: criteria provided, single submitter. Criteria: ACMG Guidelines, 2015. Collection method: clinical testing. Allele origin: germline.

Blueprint Genetics
Classification: Uncertain significance. Last evaluated: 2023-12-18. Review status: criteria provided, single submitter. Criteria: ACMG Guidelines, 2015. Collection method: clinical testing. Allele origin: germline.

PreventionGenetics, part of Exact Sciences
Classification: Uncertain significance for CPLANE1-related condition. Last evaluated: 2023-09-19. Review status: criteria provided, single submitter. Criteria: ACMG Guidelines, 2015. Collection method: clinical testing. Allele origin: germline.
Comment: The CPLANE1 c.8869G>A variant is predicted to result in the amino acid substitution p.Glu2957Lys. To our knowledge, this variant has not been reported in the literature. This variant is reported in 0.0040% of alleles in individuals of African descent in gnomAD. At this time, the clinical significance of this variant is uncertain due to the absence of conclusive functional and genetic evidence.

Labcorp Genetics (formerly Invitae), Labcorp
Classification: Uncertain significance. Last evaluated: 2022-08-09. Review status: criteria provided, single submitter. Criteria: Invitae Variant Classification Sherloc (09022015). Collection method: clinical testing. Allele origin: germline.
Comment: This sequence change replaces glutamic acid, which is acidic and polar, with lysine, which is basic and polar, at codon 2957 of the CPLANE1 protein (p.Glu2957Lys). This variant is present in population databases (rs200358545, gnomAD 0.004%). This variant has not been reported in the literature in individuals affected with CPLANE1-related conditions. ClinVar contains an entry for this variant (Variation ID: 906758). Advanced modeling of protein sequence and biophysical properties (such as structural, functional, and spatial information, amino acid conservation, physicochemical variation, residue mobility, and thermodynamic stability) performed at Invitae indicates that this missense variant is not expected to disrupt CPLANE1 protein function. In summary, the available evidence is currently insufficient to determine the role of this variant in disease. Therefore, it has been classified as a Variant of Uncertain Significance.

Illumina Laboratory Services, Illumina
Classification: Uncertain significance for Joubert syndrome 17. Last evaluated: 2018-01-13. Review status: criteria provided, single submitter. Criteria: ICSL Variant Classification Criteria 13 December 2019. Collection method: clinical testing. Allele origin: germline.